The following is an entry in ClinVar:

ClinVar aggregate classification (germline): Pathogenic (1 of 4 stars; one submission).

Submission:

Labcorp Genetics (formerly Invitae), Labcorp
Classification: Pathogenic. Last evaluated: 2025-03-31. Review status: criteria provided, single submitter. Criteria: Invitae Variant Classification Sherloc (09022015). Collection method: clinical testing. Allele origin: germline.
Comment: This sequence change creates a premature translational stop signal (p.Asn60Valfs*101) in the CIB1 gene. It is expected to result in an absent or disrupted protein product. Loss-of-function variants in CIB1 are known to be pathogenic (PMID: 30068544). This variant is not present in population databases (gnomAD no frequency). This variant has not been reported in the literature in individuals affected with CIB1-related conditions. For these reasons, this variant has been classified as Pathogenic.

Literature cited by the submitters: PubMed 30068544.

NM_006384.4(CIB1):c.87-29_87-20del

Gene: CIB1 (calcium and integrin binding 1; minus strand). Cytogenetic location: 15q26.1.
Variant type: Deletion.
Coding change: c.87-29_87-20del on transcript NM_006384.4 (MANE Select); 29 bases into the intron before coding-DNA position 87 through 20 bases into the intron before coding-DNA position 87, 10 bases deleted (AACACCGACA; older notation c.87-29_87-20delAACACCGACA).
Molecular consequence: intron variant. On other transcripts: frameshift variant (1).
Genome position (GRCh38, 1-based): chr15:90,232,347-90,232,356, TGTCGGTGTT deleted on the plus strand (AACACCGACA on the coding strand, the reverse complement: CIB1 is on the minus strand). VCF-style (leftmost placement, unchanged base first): chr15-90232346-CTGTCGGTGTT-C. GRCh37 (hg19) VCF-style: chr15-90775578-CTGTCGGTGTT-C.
Other names: c.178_187del, p.Asn60fs (NM_001277764.2); short protein forms N60fs.
Identifiers: ClinVar variation 4716429 (VCV004716429.1).